The following is an entry in ClinVar:

ClinVar aggregate classification (germline): Uncertain significance (1 of 4 stars; one submission).

Conditions:
Ehlers-Danlos syndrome, type 4 (EDSVASC). Also called: Ehlers-Danlos syndrome vascular type; Ehlers Danlos syndrome, ecchymotic type; Ehlers Danlos syndrome, arterial type; Ehlers Danlos syndrome, Sack-Barabas type; Ehlers-Danlos Syndrome Type IV. Identifiers: Orphanet 286, MedGen C0268338, MONDO:0017314, OMIM 130050.

Allele frequency attached by ClinVar (database versions not stated): gnomAD exomes below 0.00001.
gnomAD v4.1: 4 of 1,614,070 alleles (0.00025%); highest among the groups gnomAD compares: South Asian, 0.0011%; no homozygotes.

Submission:

Labcorp Genetics (formerly Invitae), Labcorp
Classification: Uncertain significance for Ehlers-Danlos syndrome, type 4. Last evaluated: 2025-12-10. Review status: criteria provided, single submitter. Criteria: Invitae Variant Classification Sherloc (09022015). Collection method: clinical testing. Allele origin: germline.
Comment: This sequence change replaces arginine, which is basic and polar, with cysteine, which is neutral and slightly polar, at codon 446 of the COL3A1 protein (p.Arg446Cys). This variant is present in population databases (no rsID available, gnomAD 0.0009%). This missense change has been observed in individual(s) with clinical features of Ehlers-Danlos syndrome (PMID: 37754822). ClinVar contains an entry for this variant (Variation ID: 651178). Invitae Evidence Modeling of protein sequence and biophysical properties (such as structural, functional, and spatial information, amino acid conservation, physicochemical variation, residue mobility, and thermodynamic stability) has been performed for this missense variant. However, the output from this modeling did not meet the statistical confidence thresholds required to predict the impact of this variant on COL3A1 protein function. In summary, the available evidence is currently insufficient to determine the role of this variant in disease. Therefore, it has been classified as a Variant of Uncertain Significance.

Literature cited by the submitters: PubMed 37754822.

NM_000090.4(COL3A1):c.1336C>T (p.Arg446Cys)

Gene: COL3A1 (collagen type III alpha 1 chain; plus strand). Cytogenetic location: 2q32.2.
Variant type: single nucleotide variant.
Coding change: c.1336C>T on transcript NM_000090.4 (MANE Select); coding-DNA position 1336, C replaced by T.
Protein change: p.Arg446Cys; replaces arginine 446 with cysteine.
Molecular consequence: missense variant.
Genome position (GRCh38, 1-based): chr2:188,994,583, C>T. VCF-style: chr2-188994583-C-T. GRCh37 (hg19) VCF-style: chr2-189859309-C-T.
Other names: short protein forms R446C.
Identifiers: ClinVar variation 651178 (VCV000651178.9), dbSNP rs1238066761, ClinGen allele CA349851699.
Genomic context (GRCh38, chr2:188,994,583, plus strand): 5'-GACTTTGTTATACTTTAGGGTGAGCCTGGTAAGAATGGTGCCAAAGGAGAGCCCGGACCA[C>T]GTGGTGAACGCGTAAGTTTTACTGCAACAGATCTGGTTATTTCTTGAAAAAATGCAACAT-3'
Protein context (NP_000081.2, residues 436-456): KNGAKGEPGP[Arg446Cys]GERGEAGIPG